The following is an entry in ClinVar:

NC_000007.13:g.(?_117144294)_(117254777_?)dup

Gene: CFTR (CF transmembrane conductance regulator; plus strand). Cytogenetic location: 7q31.2.
Variant type: Duplication.
Identifiers: ClinVar variation 1067958 (VCV001067958.5).

ClinVar aggregate classification (germline): Likely pathogenic (1 of 4 stars; one submission).

Conditions:
Cystic fibrosis (CF). Also called: MUCOVISCIDOSIS. Identifiers: Orphanet 586, MedGen C0010674, MONDO:0009061, OMIM 219700. Disease mechanism: loss of function.

Submission:

Labcorp Genetics (formerly Invitae), Labcorp
Classification: Likely pathogenic for Cystic fibrosis. Last evaluated: 2020-02-06. Review status: criteria provided, single submitter. Criteria: Invitae Variant Classification Sherloc (09022015). Collection method: clinical testing. Allele origin: germline.
Comment: In summary, the currently available evidence indicates that the variant is pathogenic, but additional data are needed to prove that conclusively. Therefore, this variant has been classified as Likely Pathogenic. Loss-of-function variants in CFTR are known to be pathogenic (PMID: 1695717, 7691345, 9725922). This variant has not been reported in the literature in individuals with CFTR-related conditions. This variant results in a copy number gain of the genomic region encompassing exons 2-21 of the CFTR gene. While the exact position of this variant cannot be determined from this data, sub-genic copy number gains are generally in tandem (PMID: 25640679) and may result in an absent or disrupted protein product.

Literature cited by the submitters: PubMed 1695717; PubMed 7691345; PubMed 9725922; PubMed 25640679.